The following is an entry in ClinVar:

NM_000038.6(APC):c.3543A>G (p.Leu1181=)

Gene: APC (APC regulator of Wnt signaling pathway; plus strand). Cytogenetic location: 5q22.2.
Variant type: single nucleotide variant.
Coding change: c.3543A>G on transcript NM_000038.6 (MANE Select); coding-DNA position 3543, A replaced by G.
Protein change: p.Leu1181=; no amino-acid change (leucine 1181 retained).
Molecular consequence: synonymous variant.
Genome position (GRCh38, 1-based): chr5:112,839,137, A>G. VCF-style: chr5-112839137-A-G. GRCh37 (hg19) VCF-style: chr5-112174834-A-G.
Other names: c.3543A>G, p.Leu1181= (NM_001127510.3, NM_001354895.2); c.3489A>G, p.Leu1163= (NM_001127511.3); c.3597A>G, p.Leu1199= (NM_001354896.2); c.3573A>G, p.Leu1191= (NM_001354897.2); c.3468A>G, p.Leu1156= (NM_001354898.2); c.3459A>G, p.Leu1153= (NM_001354899.2); c.3420A>G, p.Leu1140= (NM_001354900.2); c.3366A>G, p.Leu1122= (NM_001354901.2); and 5 more.
Identifiers: ClinVar variation 387277 (VCV000387277.19), dbSNP rs746082418, ClinGen allele CA035678.
Genomic context (GRCh38, chr5:112,839,137, plus strand): 5'-TTATAGCATAAAATATAATGAAGAGAAACGTCATGTGGATCAGCCTATTGATTATAGTTT[A>G]AAATATGCCACAGATATTCCTTCATCACAGAAACAGTCATTTTCATTCTCAAAGAGTTCA-3'
Protein context (NP_000029.2, residues 1171-1191): RHVDQPIDYS[Leu1181=]KYATDIPSSQ

ClinVar aggregate classification (germline): Benign/Likely benign. Review status: criteria provided, multiple submitters, no conflicts (2 of 4 stars). 7 submissions from 7 submitters: Benign (1); Likely benign (6). Last evaluated 2025-12-29.

Conditions:
Classic or attenuated familial adenomatous polyposis. Identifiers: MedGen CN372698, MONDO:0021057.
Hereditary cancer-predisposing syndrome. Also called: Tumor predisposition; Neoplastic Syndromes, Hereditary; Hereditary neoplastic syndrome; Hereditary Cancer Syndrome. Identifiers: Orphanet 140162, MedGen C0027672, MeSH D009386, MONDO:0015356.
Familial adenomatous polyposis 1 (FAP1). Also called: FAMILIAL ADENOMATOUS POLYPOSIS 1, ATTENUATED; POLYPOSIS, ADENOMATOUS INTESTINAL. Identifiers: MedGen C2713442, MONDO:0021056, OMIM 175100. Disease mechanism: loss of function.

Allele frequency attached by ClinVar (database versions not stated): gnomAD exomes below 0.00001 and 0.00001; ExAC 0.00001; gnomAD 0.00001.
gnomAD v4.1: 6 of 1,613,996 alleles (0.00037%); highest among the groups gnomAD compares: East Asian, 0.013%; no homozygotes.

Submissions (7):

Labcorp Genetics (formerly Invitae), Labcorp
Classification: Likely benign for Familial adenomatous polyposis 1. Last evaluated: 2025-12-29. Review status: criteria provided, single submitter. Criteria: Invitae Variant Classification Sherloc (09022015). Collection method: clinical testing. Allele origin: germline.

Myriad Genetics, Inc.
Classification: Benign for Familial adenomatous polyposis 1. Last evaluated: 2024-03-21. Review status: criteria provided, single submitter. Criteria: Myriad Autosomal Dominant, Autosomal Recessive and X-Linked Classification Criteria (2023). Collection method: clinical testing. Allele origin: unknown.
Comment: This variant is considered benign. This variant is a silent/synonymous amino acid change and it is not expected to impact splicing.

Department of Pathology and Laboratory Medicine, Sinai Health System
Classification: Likely benign for classic or attenuated familial adenomatous polyposis. Last evaluated: 2021-04-16. Review status: criteria provided, single submitter. Criteria: ACMG Guidelines, 2015. Collection method: clinical testing. Allele origin: germline. Affected: no.

Blueprint Genetics
Classification: Likely benign. Last evaluated: 2020-06-05. Review status: criteria provided, single submitter. Criteria: ACMG Guidelines, 2015. Collection method: clinical testing. Allele origin: germline.

Ambry Genetics
Classification: Likely benign for Hereditary cancer-predisposing syndrome. Last evaluated: 2019-10-05. Review status: criteria provided, single submitter. Criteria: Ambry Variant Classification Scheme 2023. Collection method: clinical testing. Allele origin: germline.

Color Diagnostics, LLC DBA Color Health
Classification: Likely benign for Hereditary cancer-predisposing syndrome. Last evaluated: 2017-03-22. Review status: criteria provided, single submitter. Criteria: ACMG Guidelines, 2015. Collection method: clinical testing. Allele origin: germline.

GeneDx
Classification: Likely benign. Last evaluated: 2017-02-06. Review status: criteria provided, single submitter. Criteria: GeneDx Variant Classification (06012015). Collection method: clinical testing. Allele origin: germline. Affected: yes.
Comment: This variant is considered likely benign or benign based on one or more of the following criteria: it is a conservative change, it occurs at a poorly conserved position in the protein, it is predicted to be benign by multiple in silico algorithms, and/or has population frequency not consistent with disease.